The following is an entry in ClinVar:

ClinVar aggregate classification (germline): Uncertain significance (1 of 4 stars; one submission).

Submission:

Labcorp Genetics (formerly Invitae), Labcorp
Classification: Uncertain significance. Last evaluated: 2022-06-20. Review status: criteria provided, single submitter. Criteria: Invitae Variant Classification Sherloc (09022015). Collection method: clinical testing. Allele origin: germline.
Comment: This sequence change replaces tryptophan, which is neutral and slightly polar, with serine, which is neutral and polar, at codon 705 of the ADAMTS13 protein (p.Trp705Ser). This variant is not present in population databases (gnomAD no frequency). This variant has not been reported in the literature in individuals affected with ADAMTS13-related conditions. Algorithms developed to predict the effect of missense changes on protein structure and function (SIFT, PolyPhen-2, Align-GVGD) all suggest that this variant is likely to be tolerated. In summary, the available evidence is currently insufficient to determine the role of this variant in disease. Therefore, it has been classified as a Variant of Uncertain Significance.

NM_139027.6(ADAMTS13):c.2114G>C (p.Trp705Ser)

Gene: ADAMTS13 (ADAM metallopeptidase with thrombospondin type 1 motif 13; plus strand). Cytogenetic location: 9q34.2.
Variant type: single nucleotide variant.
Coding change: c.2114G>C on transcript NM_139027.6 (MANE Select); coding-DNA position 2114, G replaced by C.
Protein change: p.Trp705Ser; replaces tryptophan 705 with serine.
Molecular consequence: missense variant.
Genome position (GRCh38, 1-based): chr9:133,442,623, G>C. VCF-style: chr9-133442623-G-C. GRCh37 (hg19) VCF-style: chr9-136307744-G-C.
Other names: c.2114G>C, p.Trp705Ser (NM_139025.5); c.2021G>C, p.Trp674Ser (NM_139026.6); short protein forms W674S, W705S.
Identifiers: ClinVar variation 2008760 (VCV002008760.4), dbSNP rs2491268426, ClinGen allele CA375397153.